The following is an entry in ClinVar:

NM_177438.3(DICER1):c.424T>C (p.Phe142Leu)

Gene: DICER1 (dicer 1, ribonuclease III; minus strand). Cytogenetic location: 14q32.13.
Variant type: single nucleotide variant.
Coding change: c.424T>C on transcript NM_177438.3 (MANE Select); coding-DNA position 424, T replaced by C.
Protein change: p.Phe142Leu; replaces phenylalanine 142 with leucine.
Molecular consequence: missense variant.
Genome position (GRCh38, 1-based): chr14:95,131,523, A>G on the plus strand (T>C on the coding strand, the complement: DICER1 is on the minus strand). VCF-style: chr14-95131523-A-G. GRCh37 (hg19) VCF-style: chr14-95597860-A-G.
Other names: c.424T>C, p.Phe142Leu (NM_001195573.1, NM_001271282.3, NM_001291628.2 and 1 more transcripts); short protein forms F142L.
Identifiers: ClinVar variation 1508426 (VCV001508426.9), dbSNP rs2140278629, ClinGen allele CA390888821.
Genomic context (GRCh38, chr14:95,131,523, plus strand): 5'-AGAACTTGTAGGGATTTATAAAGTGAAATTTCTCTACAAGTCTTACCTGGTGCTTAGTAA[A>G]CTCTTGGTTCCATCTCTCTTTTGTCCAAGATGCATTTACTTCTAGGTTTGAGTATTCCCC-3'
Protein context (NP_803187.1, residues 132-152): SWTKERWNQE[Phe142Leu]TKHQVLIMTC

ClinVar aggregate classification (germline): Uncertain significance (1 of 4 stars; one submission).

Conditions:
DICER1-related tumor predisposition. Also called: DICER1 syndrome; DICER1-related pleuropulmonary blastoma cancer predisposition syndrome. Identifiers: Orphanet 284343, MedGen C3839822, MONDO:0100216.

Submission:

Labcorp Genetics (formerly Invitae), Labcorp
Classification: Uncertain significance for DICER1-related tumor predisposition. Last evaluated: 2021-02-08. Review status: criteria provided, single submitter. Criteria: Invitae Variant Classification Sherloc (09022015). Collection method: clinical testing. Allele origin: germline.
Comment: In summary, the available evidence is currently insufficient to determine the role of this variant in disease. Therefore, it has been classified as a Variant of Uncertain Significance. Algorithms developed to predict the effect of missense changes on protein structure and function (SIFT, PolyPhen-2, Align-GVGD) all suggest that this variant is likely to be tolerated, but these predictions have not been confirmed by published functional studies and their clinical significance is uncertain. This variant has not been reported in the literature in individuals with DICER1-related conditions. This variant is not present in population databases (ExAC no frequency). This sequence change replaces phenylalanine with leucine at codon 142 of the DICER1 protein (p.Phe142Leu). The phenylalanine residue is moderately conserved and there is a small physicochemical difference between phenylalanine and leucine.